The following is an entry in ClinVar:

NM_001127511.3(APC):c.165+13G>A

Gene: APC (APC regulator of Wnt signaling pathway; plus strand). Cytogenetic location: 5q22.2.
Variant type: single nucleotide variant.
Coding change: c.165+13G>A on transcript NM_001127511.3; 13 bases into the intron after coding-DNA position 165, G replaced by A.
Molecular consequence: intron variant.
Genome position (GRCh38, 1-based): chr5:112,707,895, G>A. VCF-style: chr5-112707895-G-A. GRCh37 (hg19) VCF-style: chr5-112043592-G-A.
Other names: c.-1054+13G>A (NM_001407470.1, NM_001407472.1); c.-19+13G>A (NM_001407447.1, NM_001354895.2, NM_001407456.1 and 3 more transcripts); c.165+13G>A (NM_001407446.1, NM_001354897.2, NM_001354902.2); c.-19+246G>A (NM_001407448.1, NM_001407450.1, NM_001407457.1 and 1 more transcripts); c.-43+246G>A (NM_001407453.1).
Identifiers: ClinVar variation 1400027 (VCV001400027.6), dbSNP rs1007325714, ClinGen allele CA124925295.

ClinVar aggregate classification (germline): Uncertain significance (1 of 4 stars; one submission).

Conditions:
Familial adenomatous polyposis 1 (FAP1). Also called: FAMILIAL ADENOMATOUS POLYPOSIS 1, ATTENUATED; POLYPOSIS, ADENOMATOUS INTESTINAL. Identifiers: MedGen C2713442, MONDO:0021056, OMIM 175100. Disease mechanism: loss of function.

Submission:

Labcorp Genetics (formerly Invitae), Labcorp
Classification: Uncertain significance for Familial adenomatous polyposis 1. Last evaluated: 2024-05-09. Review status: criteria provided, single submitter. Criteria: Invitae Variant Classification Sherloc (09022015). Collection method: clinical testing. Allele origin: germline.
Comment: This variant occurs in a non-coding region of the APC gene. It does not change the encoded amino acid sequence of the APC protein. This variant is not present in population databases (gnomAD no frequency). This variant has not been reported in the literature in individuals affected with APC-related conditions. Experimental studies and prediction algorithms are not available or were not evaluated, and the functional significance of this variant is currently unknown. In summary, the available evidence is currently insufficient to determine the role of this variant in disease. Therefore, it has been classified as a Variant of Uncertain Significance.